The following is an entry in ClinVar:

NM_000548.5(TSC2):c.4886A>G (p.Asp1629Gly)

Gene: TSC2 (TSC complex subunit 2; plus strand). Cytogenetic location: 16p13.3.
Variant type: single nucleotide variant.
Coding change: c.4886A>G on transcript NM_000548.5 (MANE Select); coding-DNA position 4886, A replaced by G.
Protein change: p.Asp1629Gly; replaces aspartic acid 1629 with glycine.
Molecular consequence: missense variant.
Genome position (GRCh38, 1-based): chr16:2,086,768, A>G. VCF-style: chr16-2086768-A-G. GRCh37 (hg19) VCF-style: chr16-2136769-A-G.
Other names: c.4685A>G, p.Asp1562Gly (NM_001077183.3); c.4817A>G, p.Asp1606Gly (NM_001114382.3); c.4577A>G, p.Asp1526Gly (NM_001318827.2); c.4541A>G, p.Asp1514Gly (NM_001318829.2); c.4154A>G, p.Asp1385Gly (NM_001318831.2); c.4718A>G, p.Asp1573Gly (NM_001318832.2); c.4688A>G, p.Asp1563Gly (NM_001363528.2); c.4754A>G, p.Asp1585Gly (NM_001370404.1); and 1 more; short protein forms D1563G, D1573G, D1585G, D1606G, D1514G, D1385G, D1526G, D1562G.
Identifiers: ClinVar variation 844440 (VCV000844440.15), dbSNP rs767444397, ClinGen allele CA053023.

ClinVar aggregate classification (germline): Conflicting classifications of pathogenicity. Review status: criteria provided, conflicting classifications (1 of 4 stars). 4 submissions from 4 submitters: Uncertain significance (2); Benign (1); Likely benign (1). Last evaluated 2025-09-03.

Conditions:
Hereditary cancer-predisposing syndrome. Also called: Neoplastic Syndromes, Hereditary; Hereditary neoplastic syndrome; Tumor predisposition; Hereditary Cancer Syndrome. Identifiers: Orphanet 140162, MedGen C0027672, MeSH D009386, MONDO:0015356.
Isolated focal cortical dysplasia type II (FCORD2). Also called: CORTICAL DYSPLASIA OF TAYLOR; Focal cortical dysplasia type II. Identifiers: Orphanet 268994, MedGen C1846385, MONDO:0011818, OMIM 607341, HP:0032051.
Tuberous sclerosis 2 (TSC2). Identifiers: Orphanet 805, MedGen C1860707, MONDO:0013199, OMIM 613254.

Allele frequency attached by ClinVar (database versions not stated): TOPMed below 0.00001; gnomAD 0.00001; gnomAD exomes 0.00001; ExAC 0.00002.
gnomAD v4.1: 2 of 1,611,200 alleles (0.00012%); highest among the groups gnomAD compares: African/African-American, 0.0027%; no homozygotes.

Submissions (4):

Labcorp Genetics (formerly Invitae), Labcorp
Classification: Benign for Tuberous sclerosis 2. Last evaluated: 2025-09-03. Review status: criteria provided, single submitter. Criteria: Invitae Variant Classification Sherloc (09022015). Collection method: clinical testing. Allele origin: germline.

Ambry Genetics
Classification: Uncertain significance for Hereditary cancer-predisposing syndrome. Last evaluated: 2025-05-16. Review status: criteria provided, single submitter. Criteria: Ambry Variant Classification Scheme 2023. Collection method: clinical testing. Allele origin: germline.
Comment: The p.D1629G variant (also known as c.4886A>G), located in coding exon 37 of the TSC2 gene, results from an A to G substitution at nucleotide position 4886. The aspartic acid at codon 1629 is replaced by glycine, an amino acid with similar properties. This amino acid position is not well conserved in available vertebrate species. In addition, this alteration is predicted to be deleterious by in silico analysis. Based on the available evidence, the clinical significance of this variant remains unclear.

Myriad Genetics, Inc.
Classification: Likely benign for Tuberous sclerosis 2. Last evaluated: 2024-08-23. Review status: criteria provided, single submitter. Criteria: Myriad Autosomal Dominant, Autosomal Recessive and X-Linked Classification Criteria (2023). Collection method: clinical testing. Allele origin: unknown.
Comment: This variant is considered likely benign. This variant has been observed at a population frequency that is significantly greater than expected given the associated disease prevalence and penetrance.

Baylor Genetics
Classification: Uncertain significance for Isolated focal cortical dysplasia type II. Last evaluated: 2023-07-21. Review status: criteria provided, single submitter. Criteria: ACMG Guidelines, 2015. Collection method: clinical testing. Allele origin: unknown.